The following is an entry in ClinVar:

NM_004006.3(DMD):c.5600A>T (p.Gln1867Leu)

Gene: DMD (dystrophin; minus strand). Cytogenetic location: Xp21.1.
Variant type: single nucleotide variant.
Coding change: c.5600A>T on transcript NM_004006.3 (MANE Select); coding-DNA position 5600, A replaced by T.
Protein change: p.Gln1867Leu; replaces glutamine 1867 with leucine.
Molecular consequence: missense variant.
Genome position (GRCh38, 1-based): chrX:32,343,273, T>A on the plus strand (A>T on the coding strand, the complement: DMD is on the minus strand). VCF-style: chrX-32343273-T-A. GRCh37 (hg19) VCF-style: chrX-32361390-T-A.
Other names: c.5576A>T, p.Gln1859Leu (NM_000109.4); c.5588A>T, p.Gln1863Leu (NM_004009.3); c.5231A>T, p.Gln1744Leu (NM_004010.3); c.1577A>T, p.Gln526Leu (NM_004011.4); c.1568A>T, p.Gln523Leu (NM_004012.4); short protein forms Q523L, Q1744L, Q1867L, Q1863L, Q526L, Q1859L.
Identifiers: ClinVar variation 1748575 (VCV001748575.2), dbSNP rs1253896743, ClinGen allele CA412666448.

ClinVar aggregate classification (germline): Uncertain significance (1 of 4 stars; one submission).

Conditions:
Cardiovascular phenotype. Identifiers: MedGen CN230736.

Allele frequency attached by ClinVar (database versions not stated): gnomAD exomes below 0.00001.
gnomAD v4.1: 1 of 1,206,322 alleles (0.000083%); highest among the groups gnomAD compares: Admixed American, 0.0022%; no homozygotes.

Submission:

Ambry Genetics
Classification: Uncertain significance for Cardiovascular phenotype. Last evaluated: 2022-05-25. Review status: criteria provided, single submitter. Criteria: Ambry Variant Classification Scheme 2023. Collection method: clinical testing. Allele origin: germline.
Comment: The p.Q1867L variant (also known as c.5600A>T), located in coding exon 40 of the DMD gene, results from an A to T substitution at nucleotide position 5600. The glutamine at codon 1867 is replaced by leucine, an amino acid with dissimilar properties. Based on data from gnomAD, the T allele has an overall frequency of <0.01%% (1/182782) total alleles studied, with 0 hemizygote(s) observed. The highest observed frequency was <0.01% (1/27339) of Latino alleles. This amino acid position is well conserved in available vertebrate species. In addition, this alteration is predicted to be tolerated by in silico analysis. Since supporting evidence is limited at this time, the clinical significance of this alteration remains unclear.